The following is an entry in ClinVar:

NM_000530.8(MPZ):c.499G>A (p.Gly167Arg)

Gene: MPZ (myelin protein zero; minus strand). Cytogenetic location: 1q23.3.
Variant type: single nucleotide variant.
Coding change: c.499G>A on transcript NM_000530.8 (MANE Select); coding-DNA position 499, G replaced by A.
Protein change: p.Gly167Arg; replaces glycine 167 with arginine.
Molecular consequence: missense variant.
Genome position (GRCh38, 1-based): chr1:161,306,414, C>T on the plus strand (G>A on the coding strand, the complement: MPZ is on the minus strand). VCF-style: chr1-161306414-C-T. GRCh37 (hg19) VCF-style: chr1-161276204-C-T.
Other names: c.499G>A, p.Gly167Arg (NM_001315491.2, LRG_256t1); short protein forms G167R.
Identifiers: ClinVar variation 208149 (VCV000208149.9), dbSNP rs121913586, ClinGen allele CA347426.

ClinVar aggregate classification (germline): Pathogenic. Review status: criteria provided, multiple submitters, no conflicts (2 of 4 stars). 4 submissions from 4 submitters: Pathogenic (2). 2 of the submissions do not count toward it. Last evaluated 2021-12-24.

Conditions:
Charcot-Marie-Tooth disease, type I (CMT1). Also called: Charcot-Marie-Tooth disease type 1; Charcot-Marie-Tooth, Type 1. Identifiers: Orphanet 65753, MedGen C0751036, MONDO:0019011.
Charcot-Marie-Tooth disease. Also called: Charcot-Marie-Tooth Neuropathy; Charcot-Marie-Tooth Hereditary Neuropathy. Identifiers: Orphanet 166, MedGen C0007959, MONDO:0015626.
Charcot-Marie-Tooth disease type 1B. Also called: CHARCOT-MARIE-TOOTH DISEASE, AUTOSOMAL DOMINANT, WITH FOCALLY FOLDED MYELIN SHEATHS, TYPE 1B; CHARCOT-MARIE-TOOTH DISEASE, SLOW NERVE CONDUCTION TYPE, LINKED TO DUFFY; CHARCOT-MARIE-TOOTH NEUROPATHY, TYPE 1B; HEREDITARY MOTOR AND SENSORY NEUROPATHY I; HEREDITARY MOTOR AND SENSORY NEUROPATHY IB; Charcot-Marie-Tooth disease, demyelinating, type 1b. Identifiers: Orphanet 101082, MedGen C0270912, MONDO:0007307, OMIM 118200.
Roussy-Lévy syndrome. Also called: Roussy-Levy Syndrome; Roussy Levy hereditary areflexic dystasia; Roussy-Levy disease; Hereditary areflexic dystasia. Identifiers: Orphanet 3115, MedGen C0205713, MONDO:0008392, OMIM 180800.

Submissions (4):

Labcorp Genetics (formerly Invitae), Labcorp
Classification: Pathogenic for Charcot-Marie-Tooth disease, type I. Last evaluated: 2021-12-24. Review status: criteria provided, single submitter. Criteria: Invitae Variant Classification Sherloc (09022015). Collection method: clinical testing. Allele origin: germline.
Comment: This sequence change replaces glycine, which is neutral and non-polar, with arginine, which is basic and polar, at codon 167 of the MPZ protein (p.Gly167Arg). This variant is not present in population databases (gnomAD no frequency). This missense change has been observed in individual(s) with Dejerine-Sottas disease (PMID: 7506095, 10399750, 12242557). In at least one individual the variant was observed to be de novo. This variant is also known as p.Gly138Arg. ClinVar contains an entry for this variant (Variation ID: 208149). Algorithms developed to predict the effect of missense changes on protein structure and function are either unavailable or do not agree on the potential impact of this missense change (SIFT: "Deleterious"; PolyPhen-2: "Possibly Damaging"; Align-GVGD: "Class C0"). Experimental studies have shown that this missense change affects MPZ function (PMID: 29687021). Algorithms developed to predict the effect of sequence changes on RNA splicing suggest that this variant may create or strengthen a splice site. For these reasons, this variant has been classified as Pathogenic.

Clinical Biomedical Laboratory, Shriners Hospital For Children - Canada
Classification: Pathogenic for Roussy-Lévy syndrome. Review status: criteria provided, single submitter. Criteria: ACMG Guidelines, 2015. Collection method: clinical testing. Allele origin: germline. Affected: yes.
Comment: This variant is predicted to substitute an glycine residue by an arginine residue in MPZ. This variant is absent in the Genome Aggregation Database (gnomAD v2.1.1), indicating it is very rare. Computational tools (REVEL: 0.71) suggest that the amino acid change is damaging to protein function. The gene is associated with Charcot–Marie–Tooth disease type 1B, which is in accordance with the clinical diagnosis of the proband. This variant has been reported as a cause of Charcot–Marie–Tooth disease type 1B (e.g. PMID 26310628). Based on the ACMG variant interpretation guidelines (criteria PS1, PM2, PM5, PP2), the available evidence supports classification of this variant as pathogenic.

GeneReviews
No classification provided. Condition: Charcot-Marie-Tooth disease type 1B. Review status: no classification provided. Collection method: literature only. Allele origin: germline. Affected: yes. Not counted in ClinVar's aggregate classification.

Inherited Neuropathy Consortium
Classification: Uncertain significance for Charcot-Marie-Tooth disease. Review status: no assertion criteria provided. Collection method: literature only. Allele origin: germline. Affected: yes. Not counted in ClinVar's aggregate classification.

Literature cited by the submitters: PubMed 7506095 (cited by Labcorp Genetics (formerly Invitae), Labcorp); PubMed 10399750 (cited by Labcorp Genetics (formerly Invitae), Labcorp); PubMed 12242557 (cited by Labcorp Genetics (formerly Invitae), Labcorp); PubMed 29687021 (cited by Labcorp Genetics (formerly Invitae), Labcorp); NCBI Bookshelf NBK1205 (cited by GeneReviews); PubMed 9452099 (cited by Inherited Neuropathy Consortium).